The following is an entry in ClinVar:

NM_001378457.1(DMXL2):c.7139G>A (p.Arg2380Gln)

Gene: DMXL2 (Dmx like 2; minus strand). Cytogenetic location: 15q21.2.
Variant type: single nucleotide variant.
Coding change: c.7139G>A on transcript NM_001378457.1 (MANE Select); coding-DNA position 7139, G replaced by A.
Protein change: p.Arg2380Gln; replaces arginine 2380 with glutamine.
Molecular consequence: missense variant. On other transcripts: non-coding transcript variant (2).
Genome position (GRCh38, 1-based): chr15:51,474,418, C>T on the plus strand (G>A on the coding strand, the complement: DMXL2 is on the minus strand). VCF-style: chr15-51474418-C-T. GRCh37 (hg19) VCF-style: chr15-51766615-C-T.
Other names: c.7139G>A, p.Arg2380Gln (NM_001174116.3, NM_001378459.1, NM_001378461.1 and 1 more transcripts); c.5228G>A, p.Arg1743Gln (NM_001174117.3); c.7136G>A, p.Arg2379Gln (NM_001378458.1, NM_001378462.1, NM_015263.5); c.5117G>A, p.Arg1706Gln (NM_001378460.1); c.6896G>A, p.Arg2299Gln (NM_001378464.1); short protein forms R1743Q, R2299Q, R1706Q, R2380Q, R2379Q.
Identifiers: ClinVar variation 2072789 (VCV002072789.4), dbSNP rs763989021, ClinGen allele CA7561418.
Genomic context (GRCh38, chr15:51,474,418, plus strand): 5'-GATTGTCTTCGAGGTTTCACAACAAGTTTTACACCGCCTCCAAAAACAGCAGCCCACATT[C>T]GATTATTTAATGGGTGGGCTGCAAGCCGAAATAATTCACTGGAGGAATTTGTGGCAAGAG-3'
Protein context (NP_001365386.1, residues 2370-2390): FRLAAHPLNN[Arg2380Gln]MWAAVFGGGV

ClinVar aggregate classification (germline): Uncertain significance. Review status: criteria provided, multiple submitters, no conflicts (2 of 4 stars). 3 submissions from 3 submitters: Uncertain significance (3). Last evaluated 2025-09-11.

Conditions:
Inborn genetic diseases. Identifiers: MedGen C0950123, MeSH D030342.
DMXL2-related disorder. Also called: DMXL2-related condition.

Allele frequency attached by ClinVar (database versions not stated): gnomAD exomes 0.00002; ExAC 0.00003; gnomAD 0.00003; TOPMed 0.00007.
gnomAD v4.1: 28 of 1,613,152 alleles (0.0017%); highest among the groups gnomAD compares: African/African-American, 0.029%; no homozygotes.

Submissions (3):

Ambry Genetics
Classification: Uncertain significance for Inborn genetic diseases. Last evaluated: 2025-09-11. Review status: criteria provided, single submitter. Criteria: Ambry Variant Classification Scheme 2023. Collection method: clinical testing. Allele origin: germline.

PreventionGenetics, part of Exact Sciences
Classification: Uncertain significance for DMXL2-related condition. Last evaluated: 2023-08-01. Review status: criteria provided, single submitter. Criteria: ACMG Guidelines, 2015. Collection method: clinical testing. Allele origin: germline.
Comment: The DMXL2 c.7139G>A variant is predicted to result in the amino acid substitution p.Arg2380Gln. To our knowledge, this variant has not been reported in the literature. This variant is reported in 0.024% of alleles in individuals of African descent in gnomAD. At this time, the clinical significance of this variant is uncertain due to the absence of conclusive functional and genetic evidence.

Labcorp Genetics (formerly Invitae), Labcorp
Classification: Uncertain significance. Last evaluated: 2022-06-15. Review status: criteria provided, single submitter. Criteria: Invitae Variant Classification Sherloc (09022015). Collection method: clinical testing. Allele origin: germline.
Comment: This sequence change replaces arginine, which is basic and polar, with glutamine, which is neutral and polar, at codon 2380 of the DMXL2 protein (p.Arg2380Gln). This variant is present in population databases (rs763989021, gnomAD 0.02%). This variant has not been reported in the literature in individuals affected with DMXL2-related conditions. Algorithms developed to predict the effect of missense changes on protein structure and function (SIFT, PolyPhen-2, Align-GVGD) all suggest that this variant is likely to be tolerated. In summary, the available evidence is currently insufficient to determine the role of this variant in disease. Therefore, it has been classified as a Variant of Uncertain Significance.